The following is an entry in ClinVar:

NM_000245.4(MET):c.2265-47T>C

Gene: MET (MET proto-oncogene, receptor tyrosine kinase; plus strand). Cytogenetic location: 7q31.2.
Variant type: single nucleotide variant.
Coding change: c.2265-47T>C on transcript NM_000245.4 (MANE Select); 47 bases into the intron before coding-DNA position 2265, T replaced by C.
Molecular consequence: intron variant. On other transcripts: missense variant (1).
Genome position (GRCh38, 1-based): chr7:116,759,344, T>C. VCF-style: chr7-116759344-T-C. GRCh37 (hg19) VCF-style: chr7-116399398-T-C.
Other names: c.2272T>C, p.Trp758Arg (NM_001127500.3); c.975-47T>C (NM_001324402.2); c.2265-47T>C (NM_001324401.3); short protein forms W758R.
Identifiers: ClinVar variation 3294373 (VCV003294373.3).

ClinVar aggregate classification (germline): Uncertain significance. Review status: criteria provided, multiple submitters, no conflicts (2 of 4 stars). 2 submissions from 2 submitters: Uncertain significance (2). Last evaluated 2024-05-29.

Conditions:
Hereditary cancer-predisposing syndrome. Also called: Tumor predisposition; Hereditary Cancer Syndrome; Hereditary neoplastic syndrome; Neoplastic Syndromes, Hereditary. Identifiers: Orphanet 140162, MedGen C0027672, MeSH D009386, MONDO:0015356.
Renal cell carcinoma. Identifiers: Orphanet 217071, MedGen C0007134, MeSH D002292, MONDO:0005086, HP:0005584.

Submissions (2):

Ambry Genetics
Classification: Uncertain significance for Hereditary cancer-predisposing syndrome. Last evaluated: 2024-05-29. Review status: criteria provided, single submitter. Criteria: Ambry Variant Classification Scheme 2023. Collection method: clinical testing. Allele origin: germline.
Comment: The p.W758R variant (also known as c.2272T>C), located in coding exon 9 of the MET gene, results from a T to C substitution at nucleotide position 2272. The tryptophan at codon 758 is replaced by arginine, an amino acid with dissimilar properties. This amino acid position is conserved. In addition, this alteration is predicted to be tolerated by in silico analysis. Based on the available evidence, the clinical significance of this variant remains unclear.

Labcorp Genetics (formerly Invitae), Labcorp
Classification: Uncertain significance for Renal cell carcinoma. Last evaluated: 2024-05-08. Review status: criteria provided, single submitter. Criteria: Invitae Variant Classification Sherloc (09022015). Collection method: clinical testing. Allele origin: germline.
Comment: This sequence change replaces tryptophan, which is neutral and slightly polar, with arginine, which is basic and polar, at codon 758 of the MET protein (p.Trp758Arg). This variant is not present in population databases (gnomAD no frequency). This variant has not been reported in the literature in individuals affected with MET-related conditions. An algorithm developed to predict the effect of missense changes on protein structure and function (PolyPhen-2) suggests that this variant is likely to be tolerated. In summary, the available evidence is currently insufficient to determine the role of this variant in disease. Therefore, it has been classified as a Variant of Uncertain Significance.